The following is an entry in ClinVar:

ClinVar aggregate classification (germline): Uncertain significance (1 of 4 stars; one submission).

Conditions:
Peroxisome biogenesis disorder, complementation group 7 (CG7). Also called: Peroxisome biogenesis disorder, complementation group B. Identifiers: MedGen C1864399.

Submission:

Labcorp Genetics (formerly Invitae), Labcorp
Classification: Uncertain significance for Peroxisome biogenesis disorder, complementation group 7. Last evaluated: 2021-08-16. Review status: criteria provided, single submitter. Criteria: Invitae Variant Classification Sherloc (09022015). Collection method: clinical testing. Allele origin: germline.
Comment: This sequence change replaces alanine with glutamic acid at codon 37 of the PEX10 protein (p.Ala37Glu). The alanine residue is highly conserved and there is a moderate physicochemical difference between alanine and glutamic acid. The frequency data for this variant in the population databases is considered unreliable, as metrics indicate insufficient coverage at this position in the ExAC database. This variant has not been reported in the literature in individuals with PEX10-related conditions. Algorithms developed to predict the effect of missense changes on protein structure and function are either unavailable or do not agree on the potential impact of this missense change (SIFT: "Tolerated"; PolyPhen-2: "Probably Damaging"; Align-GVGD: "Class C0"). In summary, the available evidence is currently insufficient to determine the role of this variant in disease. Therefore, it has been classified as a Variant of Uncertain Significance.

NM_002617.4(PEX10):c.110C>A (p.Ala37Glu)

Gene: PEX10 (peroxisomal biogenesis factor 10; minus strand). Cytogenetic location: 1p36.32.
Variant type: single nucleotide variant.
Coding change: c.110C>A on transcript NM_002617.4 (MANE Select); coding-DNA position 110, C replaced by A.
Protein change: p.Ala37Glu; replaces alanine 37 with glutamic acid.
Molecular consequence: missense variant. On other transcripts: intron variant (2).
Genome position (GRCh38, 1-based): chr1:2,412,393, G>T on the plus strand (C>A on the coding strand, the complement: PEX10 is on the minus strand). VCF-style: chr1-2412393-G-T. GRCh37 (hg19) VCF-style: chr1-2343832-G-T.
Other names: c.110C>A, p.Ala37Glu (NM_001374425.1, NM_153818.2); c.-321+1204C>A (NM_001374427.1, NM_001374426.1); short protein forms A37E.
Identifiers: ClinVar variation 1397972 (VCV001397972.6), dbSNP rs2100441107, ClinGen allele CA337990314.
Genomic context (GRCh38, chr1:2,412,393, plus strand): 5'-TGAGGGGCAACACCCCCTGGGCCGCTCGCGAGGACGTCCGGCCGCGCCCGGCCCTCACCC[G>T]CCAGGCTGTGCAGGGCGCCGCCCGCCGCGCTCCGCAGCCCACCGCGGTAGTACTCGTCCT-3'
Protein context (NP_002608.1, residues 27-47): SAAGGALHSL[Ala37Glu]GARKWLEWRK